The following is an entry in ClinVar:

NM_001041.4(SI):c.2791T>A (p.Trp931Arg)

Gene: SI (sucrase-isomaltase; minus strand). Cytogenetic location: 3q26.1.
Variant type: single nucleotide variant.
Coding change: c.2791T>A on transcript NM_001041.4 (MANE Select); coding-DNA position 2791, T replaced by A.
Protein change: p.Trp931Arg; replaces tryptophan 931 with arginine.
Molecular consequence: missense variant.
Genome position (GRCh38, 1-based): chr3:165,030,813, A>T on the plus strand (T>A on the coding strand, the complement: SI is on the minus strand). VCF-style: chr3-165030813-A-T. GRCh37 (hg19) VCF-style: chr3-164748601-A-T.
Other names: short protein forms W931R.
Identifiers: ClinVar variation 4810916 (VCV004810916.1).
Genomic context (GRCh38, chr3:165,030,813, plus strand): 5'-TTGCCAAATCTGCATCTGGATAACAATTAAATCTTTCATTTTCTGAGAAAATTTGATTCC[A>T]TTGAACACTAAAGTTTCTTCCAAGATTAAGTTTGAGATCTGCAATTAGGAGAACCTTTGA-3'
Protein context (NP_001032.2, residues 921-941): LNLGRNFSVQ[Trp931Arg]NQIFSENERF

ClinVar aggregate classification (germline): Likely pathogenic (1 of 4 stars; one submission).

gnomAD v4.1: 3 of 1,595,638 alleles (0.00019%); highest among the groups gnomAD compares: Admixed American, 0.0017%; no homozygotes.

Submission:

Labcorp Genetics (formerly Invitae), Labcorp
Classification: Likely pathogenic. Last evaluated: 2025-02-20. Review status: criteria provided, single submitter. Criteria: Invitae Variant Classification Sherloc (09022015). Collection method: clinical testing. Allele origin: germline.
Comment: This sequence change replaces tryptophan, which is neutral and slightly polar, with arginine, which is basic and polar, at codon 931 of the SI protein (p.Trp931Arg). This variant is present in population databases (no rsID available, gnomAD 0.003%). This missense change has been observed in individual(s) with congenital sucrase-isomaltase deficiency (PMID: 28062276). Invitae Evidence Modeling of protein sequence and biophysical properties (such as structural, functional, and spatial information, amino acid conservation, physicochemical variation, residue mobility, and thermodynamic stability) indicates that this missense variant is expected to disrupt SI protein function with a positive predictive value of 95%. Experimental studies have shown that this missense change affects SI function (PMID: 28062276). In summary, the currently available evidence indicates that the variant is pathogenic, but additional data are needed to prove that conclusively. Therefore, this variant has been classified as Likely Pathogenic.

Literature cited by the submitters: PubMed 28062276.